The following is an entry in ClinVar:

ClinVar aggregate classification (germline): Likely benign. Review status: criteria provided, multiple submitters, no conflicts (2 of 4 stars). 3 submissions from 3 submitters: Likely benign (3). Last evaluated 2024-03-03.

Conditions:
Hereditary cancer-predisposing syndrome. Also called: Hereditary Cancer Syndrome; Hereditary neoplastic syndrome; Neoplastic Syndromes, Hereditary; Tumor predisposition. Identifiers: Orphanet 140162, MedGen C0027672, MeSH D009386, MONDO:0015356.
Hereditary breast ovarian cancer syndrome. Also called: Hereditary breast and ovarian cancer syndrome; Hereditary breast and ovarian cancer; Breast and ovarian cancer; BRCA1- and BRCA2-Associated Hereditary Breast and Ovarian Cancer; Hereditary breast and/or ovarian cancer syndrome; Hereditary breast and ovarian cancer syndrome (HBOC). Identifiers: Orphanet 145, MedGen C0677776, MeSH D061325, MONDO:0003582. Disease mechanism: loss of function.

Allele frequency attached by ClinVar (database versions not stated): TOPMed below 0.00001.

Submissions (3):

Labcorp Genetics (formerly Invitae), Labcorp
Classification: Likely benign for Hereditary breast ovarian cancer syndrome. Last evaluated: 2024-03-03. Review status: criteria provided, single submitter. Criteria: Invitae Variant Classification Sherloc (09022015). Collection method: clinical testing. Allele origin: germline.

Color Diagnostics, LLC DBA Color Health
Classification: Likely benign for Hereditary cancer-predisposing syndrome. Last evaluated: 2020-01-15. Review status: criteria provided, single submitter. Criteria: ACMG Guidelines, 2015. Collection method: clinical testing. Allele origin: germline.

GeneDx
Classification: Likely benign. Last evaluated: 2016-04-04. Review status: criteria provided, single submitter. Criteria: GeneDx Variant Classification (06012015). Collection method: clinical testing. Allele origin: germline. Affected: yes.
Comment: This variant is considered likely benign or benign based on one or more of the following criteria: it is a conservative change, it occurs at a poorly conserved position in the protein, it is predicted to be benign by multiple in silico algorithms, and/or has population frequency not consistent with disease.

NM_000059.4(BRCA2):c.6717A>G (p.Glu2239=)

Gene: BRCA2 (BRCA2 DNA repair associated; plus strand). Cytogenetic location: 13q13.1.
Variant type: single nucleotide variant.
Coding change: c.6717A>G on transcript NM_000059.4 (MANE Select); coding-DNA position 6717, A replaced by G.
Protein change: p.Glu2239=; no amino-acid change (glutamic acid 2239 retained).
Molecular consequence: synonymous variant.
Genome position (GRCh38, 1-based): chr13:32,341,072, A>G. VCF-style: chr13-32341072-A-G. GRCh37 (hg19) VCF-style: chr13-32915209-A-G.
Identifiers: ClinVar variation 385328 (VCV000385328.5), dbSNP rs1057522192, ClinGen allele CA16607476.